The following is an entry in ClinVar:

NM_001367561.1(DOCK7):c.59G>C (p.Arg20Thr)

Gene: DOCK7 (dedicator of cytokinesis 7; minus strand). Cytogenetic location: 1p31.3.
Variant type: single nucleotide variant.
Coding change: c.59G>C on transcript NM_001367561.1 (MANE Select); coding-DNA position 59, G replaced by C.
Protein change: p.Arg20Thr; replaces arginine 20 with threonine.
Molecular consequence: missense variant.
Genome position (GRCh38, 1-based): chr1:62,663,110, C>G on the plus strand (G>C on the coding strand, the complement: DOCK7 is on the minus strand). VCF-style: chr1-62663110-C-G. GRCh37 (hg19) VCF-style: chr1-63128781-C-G.
Other names: c.59G>C, p.Arg20Thr (NM_001271999.2, NM_001272000.2, NM_001272001.2 and 3 more transcripts); short protein forms R20T.
Identifiers: ClinVar variation 1424297 (VCV001424297.5), dbSNP rs1324015168, ClinGen allele CA340708310.

ClinVar aggregate classification (germline): Uncertain significance (1 of 4 stars; one submission).

Conditions:
Developmental and epileptic encephalopathy, 23 (DEE23). Also called: Epileptic encephalopathy, early infantile, 23. Identifiers: Orphanet 411986, MedGen C4014492, MONDO:0014371, OMIM 615859.

Allele frequency attached by ClinVar (database versions not stated): gnomAD exomes below 0.00001.
gnomAD v4.1: 2 of 1,612,016 alleles (0.00012%); highest among the groups gnomAD compares: Non-Finnish European, 0.00017%; no homozygotes.

Submission:

Labcorp Genetics (formerly Invitae), Labcorp
Classification: Uncertain significance for Developmental and epileptic encephalopathy, 23. Last evaluated: 2021-08-28. Review status: criteria provided, single submitter. Criteria: Invitae Variant Classification Sherloc (09022015). Collection method: clinical testing. Allele origin: germline.
Comment: This sequence change replaces arginine with threonine at codon 20 of the DOCK7 protein (p.Arg20Thr). The arginine residue is moderately conserved and there is a moderate physicochemical difference between arginine and threonine. This variant is not present in population databases (ExAC no frequency). This variant has not been reported in the literature in individuals affected with DOCK7-related conditions. Algorithms developed to predict the effect of missense changes on protein structure and function are either unavailable or do not agree on the potential impact of this missense change (SIFT: "Deleterious"; PolyPhen-2: "Probably Damaging"; Align-GVGD: "Class C0"). In summary, the available evidence is currently insufficient to determine the role of this variant in disease. Therefore, it has been classified as a Variant of Uncertain Significance.